The following is an entry in ClinVar:

ClinVar aggregate classification (germline): Likely pathogenic (1 of 4 stars; one submission).

Conditions:
HADHB-related disorder. Also called: HADHB-related condition.

Submission:

PreventionGenetics, part of Exact Sciences
Classification: Likely pathogenic for HADHB-related condition. Last evaluated: 2026-03-27. Review status: criteria provided, single submitter. Criteria: ACMG Guidelines, 2015. Collection method: clinical testing. Allele origin: germline.
Comment: The HADHB c.1310delT variant is predicted to result in a frameshift and premature protein termination (p.Leu437Trpfs*18). To our knowledge, this variant has not been reported in the literature or in a large population database (gnomAD), indicating this variant is rare. Frameshift variants in HADHB are expected to be pathogenic. This variant is interpreted as likely pathogenic.

NM_000183.3(HADHB):c.1310del (p.Leu437fs)

Gene: HADHB (hydroxyacyl-CoA dehydrogenase trifunctional multienzyme complex subunit beta; plus strand). Cytogenetic location: 2p23.3.
Variant type: Deletion.
Coding change: c.1310del on transcript NM_000183.3 (MANE Select); coding-DNA position 1310, one base deleted (T; older notation c.1310delT).
Protein change: p.Leu437fs; shifts the reading frame from leucine 437.
Molecular consequence: frameshift variant.
Genome position (GRCh38, 1-based): chr2:26,285,492, T deleted; the last of 2 consecutive T bases (chr2:26,285,491-26,285,492); deleting either gives the same sequence. VCF-style (leftmost placement, unchanged base first): chr2-26285490-GT-G. GRCh37 (hg19) VCF-style: chr2-26508358-GT-G.
Other names: c.1265del, p.Leu422fs (NM_001281512.2); c.1244del, p.Leu415fs (NM_001281513.2); short protein forms L422fs, L415fs, L437fs.
Identifiers: ClinVar variation 4993674 (VCV004993674.1).
Genomic context (GRCh38, chr2:26,285,490, plus strand): 5'-GTTTAATAACTGGGGTGGATCTCTGTCCCTGGGACACCCATTTGGAGCCACTGGCTGCAG[GT>G]TGGTCATGGCTGCTGCCAACAGATTACGGAAAGAAGGAGGCCAGTATGGCTTAGTGGCTG-3'